The following is an entry in ClinVar:

ClinVar aggregate classification (germline): Uncertain significance (1 of 4 stars; one submission).

Conditions:
Aortic valve disease 2 (AOVD2). Identifiers: MedGen C3542024, MONDO:0013902, OMIM 614823.

Submission:

Labcorp Genetics (formerly Invitae), Labcorp
Classification: Uncertain significance for Aortic valve disease 2. Last evaluated: 2025-08-18. Review status: criteria provided, single submitter. Criteria: Invitae Variant Classification Sherloc (09022015). Collection method: clinical testing. Allele origin: germline.
Comment: This sequence change replaces proline, which is neutral and non-polar, with serine, which is neutral and polar, at codon 221 of the SMAD6 protein (p.Pro221Ser). This variant is not present in population databases (gnomAD no frequency). This variant has not been reported in the literature in individuals affected with SMAD6-related conditions. Invitae Evidence Modeling of protein sequence and biophysical properties (such as structural, functional, and spatial information, amino acid conservation, physicochemical variation, residue mobility, and thermodynamic stability) indicates that this missense variant is not expected to disrupt SMAD6 protein function with a negative predictive value of 80%. In summary, the available evidence is currently insufficient to determine the role of this variant in disease. Therefore, it has been classified as a Variant of Uncertain Significance.

NM_005585.5(SMAD6):c.661C>T (p.Pro221Ser)

Gene: SMAD6 (SMAD family member 6; plus strand). Cytogenetic location: 15q22.31.
Variant type: single nucleotide variant.
Coding change: c.661C>T on transcript NM_005585.5 (MANE Select); coding-DNA position 661, C replaced by T.
Protein change: p.Pro221Ser; replaces proline 221 with serine.
Molecular consequence: missense variant. On other transcripts: non-coding transcript variant (1).
Genome position (GRCh38, 1-based): chr15:66,703,919, C>T. VCF-style: chr15-66703919-C-T. GRCh37 (hg19) VCF-style: chr15-66996257-C-T.
Other names: short protein forms P221S.
Identifiers: ClinVar variation 4744968 (VCV004744968.1).